The following is an entry in ClinVar:

NM_000448.3(RAG1):c.362A>C (p.Asp121Ala)

Gene: RAG1 (recombination activating 1; plus strand). Cytogenetic location: 11p12.
Variant type: single nucleotide variant.
Coding change: c.362A>C on transcript NM_000448.3 (MANE Select); coding-DNA position 362, A replaced by C.
Protein change: p.Asp121Ala; replaces aspartic acid 121 with alanine.
Molecular consequence: missense variant.
Genome position (GRCh38, 1-based): chr11:36,573,666, A>C. VCF-style: chr11-36573666-A-C. GRCh37 (hg19) VCF-style: chr11-36595216-A-C.
Other names: c.362A>C, p.Asp121Ala (NM_001377277.1, NM_001377278.1, NM_001377279.1 and 1 more transcripts); short protein forms D121A.
Identifiers: ClinVar variation 856031 (VCV000856031.7), dbSNP rs780167146, ClinGen allele CA380146385.

ClinVar aggregate classification (germline): Uncertain significance (1 of 4 stars; one submission).

Conditions:
Combined immunodeficiency with skin granulomas. Identifiers: Orphanet 157949, MedGen C2673536, MONDO:0009306, OMIM 233650.
Severe combined immunodeficiency, autosomal recessive, T cell-negative, B cell-negative, NK cell-positive. Also called: SCID, AR, T-cell negative, B-cell negative, NK cell-positive; SCID, T CELL-NEGATIVE, B CELL-NEGATIVE, NK CELL-POSITIVE; Severe combined immunodeficiency due to complete RAG1/2 deficiency. Identifiers: Orphanet 331206, MedGen C1832322, MONDO:0011086, OMIM 601457.

gnomAD v4.1: 1 of 1,614,154 alleles (0.000062%); no homozygotes.

Submission:

Labcorp Genetics (formerly Invitae), Labcorp
Classification: Uncertain significance for Combined immunodeficiency with skin granulomas; Severe combined immunodeficiency, autosomal recessive, T cell-negative, B cell-negative, NK cell-positive. Last evaluated: 2021-08-30. Review status: criteria provided, single submitter. Criteria: Invitae Variant Classification Sherloc (09022015). Collection method: clinical testing. Allele origin: germline.
Comment: This sequence change replaces aspartic acid with alanine at codon 121 of the RAG1 protein (p.Asp121Ala). The aspartic acid residue is moderately conserved and there is a moderate physicochemical difference between aspartic acid and alanine. This variant is not present in population databases (ExAC no frequency). This variant has not been reported in the literature in individuals affected with RAG1-related conditions. Algorithms developed to predict the effect of missense changes on protein structure and function (SIFT, PolyPhen-2, Align-GVGD) all suggest that this variant is likely to be tolerated. In summary, the available evidence is currently insufficient to determine the role of this variant in disease. Therefore, it has been classified as a Variant of Uncertain Significance.